The following is an entry in ClinVar:

ClinVar aggregate classification (germline): Benign/Likely benign. Review status: criteria provided, multiple submitters, no conflicts (2 of 4 stars). 3 submissions from 3 submitters: Benign (1); Likely benign (1). 1 of the submissions does not count toward it. Last evaluated 2026-01-26.

Conditions:
T-cell immunodeficiency, congenital alopecia, and nail dystrophy. Also called: Congenital alopecia and nail dystrophy associated with severe functional T-cell immunodeficiency; Pignata Guarino syndrome. Identifiers: Orphanet 169095, MedGen C1866426, MONDO:0011132, OMIM 601705.
FOXN1-related disorder. Also called: FOXN1-related condition.

Allele frequency attached by ClinVar (database versions not stated): gnomAD below 0.00001 and 0.00013; TOPMed 0.00002; gnomAD exomes 0.00021 and 0.00043; ExAC 0.00055; 1000 Genomes Project 30x 0.00078; 1000 Genomes Project 0.00100.
gnomAD v4.1: 321 of 1,613,730 alleles (0.02%); highest among the groups gnomAD compares: South Asian, 0.34%; no homozygotes.

Submissions (3):

Labcorp Genetics (formerly Invitae), Labcorp
Classification: Benign for T-cell immunodeficiency, congenital alopecia, and nail dystrophy. Last evaluated: 2026-01-26. Review status: criteria provided, single submitter. Criteria: Invitae Variant Classification Sherloc (09022015). Collection method: clinical testing. Allele origin: germline.

Illumina Laboratory Services, Illumina
Classification: Likely benign for T-cell immunodeficiency, congenital alopecia, and nail dystrophy. Last evaluated: 2018-01-12. Review status: criteria provided, single submitter. Criteria: ICSL Variant Classification Criteria 13 December 2019. Collection method: clinical testing. Allele origin: germline.
Comment: This variant was observed in the ICSL laboratory as part of a predisposition screen in an ostensibly healthy population. It had not been previously curated by ICSL or reported in the Human Gene Mutation Database (HGMD: prior to June 1st, 2018), and was therefore a candidate for classification through an automated scoring system. Utilizing variant allele frequency, disease prevalence and penetrance estimates, and inheritance mode, an automated score was calculated to assess if this variant is too frequent to cause the disease. Based on the score and internal cut-off values, a variant classified as likely benign is not then subjected to further curation. The score for this variant resulted in a classification of likely benign for this disease.

PreventionGenetics, part of Exact Sciences
Classification: Likely benign for FOXN1-related condition. Last evaluated: 2019-02-21. Review status: no assertion criteria provided. Collection method: clinical testing. Allele origin: germline. Not counted in ClinVar's aggregate classification.
Comment: This variant is classified as likely benign based on ACMG/AMP sequence variant interpretation guidelines (Richards et al. 2015 PMID: 25741868, with internal and published modifications).

NM_001369369.1(FOXN1):c.1443G>T (p.Leu481=)

Gene: FOXN1 (forkhead box N1; plus strand). Cytogenetic location: 17q11.2.
Variant type: single nucleotide variant.
Coding change: c.1443G>T on transcript NM_001369369.1 (MANE Select); coding-DNA position 1443, G replaced by T.
Protein change: p.Leu481=; no amino-acid change (leucine 481 retained).
Molecular consequence: synonymous variant.
Genome position (GRCh38, 1-based): chr17:28,535,014, G>T. VCF-style: chr17-28535014-G-T. GRCh37 (hg19) VCF-style: chr17-26862032-G-T.
Other names: c.1443G>T, p.Leu481= (NM_003593.3).
Identifiers: ClinVar variation 322431 (VCV000322431.16), dbSNP rs548817079, ClinGen allele CA8459529.
Genomic context (GRCh38, chr17:28,535,014, plus strand): 5'-CCTGGCCCCTCCTGGACCCCCGCAGCCATTGTTCCCACAGCCGGACGGGCACCTTGAGCT[G>T]CGGGCCCAGCCAGGCACCCCCCAGGACTCGCCTCTGCCTGCCCACACCCCACCCAGCCAC-3'
Protein context (NP_001356298.1, residues 471-491): LFPQPDGHLE[Leu481=]RAQPGTPQDS